The following is an entry in ClinVar:

NM_002439.5(MSH3):c.279T>C (p.Asn93=)

Gene: MSH3 (mutS homolog 3; plus strand). Cytogenetic location: 5q14.1.
Variant type: single nucleotide variant.
Coding change: c.279T>C on transcript NM_002439.5 (MANE Select); coding-DNA position 279, T replaced by C.
Protein change: p.Asn93=; no amino-acid change (asparagine 93 retained).
Molecular consequence: synonymous variant.
Genome position (GRCh38, 1-based): chr5:80,656,452, T>C. VCF-style: chr5-80656452-T-C. GRCh37 (hg19) VCF-style: chr5-79952271-T-C.
Identifiers: ClinVar variation 761005 (VCV000761005.15), dbSNP rs777476997, ClinGen allele CA3327556.

ClinVar aggregate classification (germline): Likely benign. Review status: criteria provided, multiple submitters, no conflicts (2 of 4 stars). 4 submissions from 4 submitters: Likely benign (4). Last evaluated 2025-10-29.

Conditions:
MSH3-related disorder. Also called: MSH3-related condition.
Hereditary cancer-predisposing syndrome. Also called: Hereditary neoplastic syndrome; Neoplastic Syndromes, Hereditary; Hereditary Cancer Syndrome; Tumor predisposition. Identifiers: Orphanet 140162, MedGen C0027672, MeSH D009386, MONDO:0015356.

Allele frequency attached by ClinVar (database versions not stated): gnomAD exomes below 0.00001; TOPMed below 0.00001; ExAC 0.00001; gnomAD 0.00001.
gnomAD v4.1: 6 of 1,613,884 alleles (0.00037%); highest among the groups gnomAD compares: South Asian, 0.0011%; no homozygotes.

Submissions (4):

Labcorp Genetics (formerly Invitae), Labcorp
Classification: Likely benign. Last evaluated: 2025-10-29. Review status: criteria provided, single submitter. Criteria: Invitae Variant Classification Sherloc (09022015). Collection method: clinical testing. Allele origin: germline.

PreventionGenetics, part of Exact Sciences
Classification: Likely benign for MSH3-related condition. Last evaluated: 2025-08-27. Review status: criteria provided, single submitter. Criteria: ACMG Guidelines, 2015. Collection method: clinical testing. Allele origin: germline.
Comment: This variant is classified as likely benign based on ACMG/AMP sequence variant interpretation guidelines (Richards et al. 2015 PMID: 25741868, with internal and published modifications).

Ambry Genetics
Classification: Likely benign for Hereditary cancer-predisposing syndrome. Last evaluated: 2021-03-09. Review status: criteria provided, single submitter. Criteria: Ambry Variant Classification Scheme 2023. Collection method: clinical testing. Allele origin: germline.

Blueprint Genetics
Classification: Likely benign. Last evaluated: 2020-03-05. Review status: criteria provided, single submitter. Criteria: ACMG Guidelines, 2015. Collection method: clinical testing. Allele origin: germline.